The following is an entry in ClinVar:

NM_015338.6(ASXL1):c.1490T>C (p.Leu497Ser)

Gene: ASXL1 (ASXL transcriptional regulator 1; plus strand). Cytogenetic location: 20q11.21.
Variant type: single nucleotide variant.
Coding change: c.1490T>C on transcript NM_015338.6 (MANE Select); coding-DNA position 1490, T replaced by C.
Protein change: p.Leu497Ser; replaces leucine 497 with serine.
Molecular consequence: missense variant.
Genome position (GRCh38, 1-based): chr20:32,433,688, T>C. VCF-style: chr20-32433688-T-C. GRCh37 (hg19) VCF-style: chr20-31021491-T-C.
Other names: c.1307T>C, p.Leu436Ser (NM_001363734.1); short protein forms L436S, L497S.
Identifiers: ClinVar variation 4588096 (VCV004588096.1).
Genomic context (GRCh38, chr20:32,433,688, plus strand): 5'-AGGGTCCCGAATTCCCAGTTGAGTCTGTGGCTTCTCGGATCCAGGCTGAGCCAGACAACT[T>C]GGCACGTGCCTCTGCATCTCCAGACAGAATTCCTAGCCTGCCTCAGGAAACTGTGGATCA-3'
Protein context (NP_056153.2, residues 487-507): ASRIQAEPDN[Leu497Ser]ARASASPDRI

ClinVar aggregate classification (germline): Uncertain significance (1 of 4 stars; one submission).

Conditions:
Inborn genetic diseases. Identifiers: MedGen C0950123, MeSH D030342.

gnomAD v4.1: 1 of 1,611,386 alleles (0.000062%); highest among the groups gnomAD compares: Non-Finnish European, 0.000085%; no homozygotes.

Submission:

Ambry Genetics
Classification: Uncertain significance for Inborn genetic diseases. Last evaluated: 2025-10-25. Review status: criteria provided, single submitter. Criteria: Ambry Variant Classification Scheme 2023. Collection method: clinical testing. Allele origin: germline.
Comment: The p.L497S variant (also known as c.1490T>C), located in coding exon 12 of the ASXL1 gene, results from a T to C substitution at nucleotide position 1490. The leucine at codon 497 is replaced by serine, an amino acid with dissimilar properties. This amino acid position is conserved. In addition, this alteration is predicted to be tolerated by in silico analysis. Based on the available evidence, the clinical significance of this variant remains unclear.